The following is an entry in ClinVar:

ClinVar aggregate classification (germline): Uncertain significance. Review status: criteria provided, multiple submitters, no conflicts (2 of 4 stars). 2 submissions from 2 submitters: Uncertain significance (2). Last evaluated 2025-03-03.

Conditions:
Multiple endocrine neoplasia, type 2 (MEN2). Identifiers: Orphanet 653, MedGen C4048306, MONDO:0019003. Disease mechanism: gain of function.
Hereditary cancer-predisposing syndrome. Also called: Hereditary Cancer Syndrome; Hereditary neoplastic syndrome; Tumor predisposition; Neoplastic Syndromes, Hereditary. Identifiers: Orphanet 140162, MedGen C0027672, MeSH D009386, MONDO:0015356.

Submissions (2):

Labcorp Genetics (formerly Invitae), Labcorp
Classification: Uncertain significance for Multiple endocrine neoplasia, type 2. Last evaluated: 2025-03-03. Review status: criteria provided, single submitter. Criteria: Invitae Variant Classification Sherloc (09022015). Collection method: clinical testing. Allele origin: germline.
Comment: This sequence change replaces histidine, which is basic and polar, with tyrosine, which is neutral and polar, at codon 569 of the RET protein (p.His569Tyr). This variant is not present in population databases (gnomAD no frequency). This variant has not been reported in the literature in individuals affected with RET-related conditions. ClinVar contains an entry for this variant (Variation ID: 842662). An algorithm developed to predict the effect of missense changes on protein structure and function (PolyPhen-2) suggests that this variant is likely to be tolerated. In summary, the available evidence is currently insufficient to determine the role of this variant in disease. Therefore, it has been classified as a Variant of Uncertain Significance.

Ambry Genetics
Classification: Uncertain significance for Hereditary cancer-predisposing syndrome. Last evaluated: 2024-08-30. Review status: criteria provided, single submitter. Criteria: Ambry Variant Classification Scheme 2023. Collection method: clinical testing. Allele origin: germline.
Comment: The p.H569Y variant (also known as c.1705C>T), located in coding exon 9 of the RET gene, results from a C to T substitution at nucleotide position 1705. The histidine at codon 569 is replaced by tyrosine, an amino acid with similar properties. This amino acid position is conserved. In addition, the in silico prediction for this alteration is inconclusive. Based on the available evidence, the clinical significance of this variant remains unclear.

NM_020975.6(RET):c.1705C>T (p.His569Tyr)

Gene: RET (ret proto-oncogene; plus strand). Cytogenetic location: 10q11.21.
Variant type: single nucleotide variant.
Coding change: c.1705C>T on transcript NM_020975.6 (MANE Select); coding-DNA position 1705, C replaced by T.
Protein change: p.His569Tyr; replaces histidine 569 with tyrosine.
Molecular consequence: missense variant.
Genome position (GRCh38, 1-based): chr10:43,112,909, C>T. VCF-style: chr10-43112909-C-T. GRCh37 (hg19) VCF-style: chr10-43608357-C-T.
Other names: c.1705C>T, p.His569Tyr (NM_000323.2, NM_001406743.1, NM_001406744.1 and 6 more transcripts); c.943C>T, p.His315Tyr (NM_001355216.2); c.1576C>T, p.His526Tyr (NM_001406761.1, NM_001406762.1, NM_001406764.1 and 1 more transcripts); c.1417C>T, p.His473Tyr (NM_001406766.1, NM_001406767.1, NM_001406770.1); c.1309C>T, p.His437Tyr (NM_001406769.1, NM_001406772.1); c.1267C>T, p.His423Tyr (NM_001406771.1, NM_001406773.1); c.1180C>T, p.His394Tyr (NM_001406774.1); c.979C>T, p.His327Tyr (NM_001406775.1, NM_001406776.1, NM_001406777.1 and 1 more transcripts); and 5 more; short protein forms H315Y, H569Y, H174Y, H270Y, H327Y, H394Y, H473Y, H239Y.
Identifiers: ClinVar variation 842662 (VCV000842662.11), dbSNP rs1258200571, ClinGen allele CA376551945.